The following is an entry in ClinVar:

NM_015629.4(PRPF31):c.935C>T (p.Thr312Ile)

Gene: PRPF31 (pre-mRNA processing factor 31; plus strand). Cytogenetic location: 19q13.42.
Variant type: single nucleotide variant.
Coding change: c.935C>T on transcript NM_015629.4 (MANE Select); coding-DNA position 935, C replaced by T.
Protein change: p.Thr312Ile; replaces threonine 312 with isoleucine.
Molecular consequence: missense variant.
Genome position (GRCh38, 1-based): chr19:54,126,607, C>T. VCF-style: chr19-54126607-C-T. GRCh37 (hg19) VCF-style: chr19-54629982-C-T.
Other names: short protein forms T312I.
Identifiers: ClinVar variation 811919 (VCV000811919.14), dbSNP rs144322132, ClinGen allele CA309328013.

ClinVar aggregate classification (germline): Conflicting classifications of pathogenicity. Review status: criteria provided, conflicting classifications (1 of 4 stars). 3 submissions from 3 submitters: Uncertain significance (2); Likely benign (1). Last evaluated 2025-08-14.

Conditions:
Retinitis pigmentosa 11 (RP11). Identifiers: Orphanet 791, MedGen C1838601, MONDO:0010828, OMIM 600138.

Allele frequency attached by ClinVar (database versions not stated): ExAC 0.00003; gnomAD exomes 0.00004; TOPMed 0.00004; gnomAD 0.00007 and 0.00008; ESP Exome Variant Server 0.00008.
gnomAD v4.1: 79 of 1,613,568 alleles (0.0049%); highest among the groups gnomAD compares: Admixed American, 0.015%; no homozygotes.

Submissions (3):

Labcorp Genetics (formerly Invitae), Labcorp
Classification: Uncertain significance. Last evaluated: 2025-08-14. Review status: criteria provided, single submitter. Criteria: Invitae Variant Classification Sherloc (09022015). Collection method: clinical testing. Allele origin: germline.
Comment: This sequence change replaces threonine, which is neutral and polar, with isoleucine, which is neutral and non-polar, at codon 312 of the PRPF31 protein (p.Thr312Ile). This variant is present in population databases (rs144322132, gnomAD 0.02%). This variant has not been reported in the literature in individuals affected with PRPF31-related conditions. ClinVar contains an entry for this variant (Variation ID: 811919). An algorithm developed to predict the effect of missense changes on protein structure and function (PolyPhen-2) suggests that this variant is likely to be tolerated. In summary, the available evidence is currently insufficient to determine the role of this variant in disease. Therefore, it has been classified as a Variant of Uncertain Significance.

Blueprint Genetics
Classification: Likely benign. Last evaluated: 2022-09-09. Review status: criteria provided, single submitter. Criteria: ACMG Guidelines, 2015. Collection method: clinical testing. Allele origin: germline.

ARUP Laboratories, Molecular Genetics and Genomics, ARUP Laboratories
Classification: Uncertain significance for Retinitis pigmentosa 11. Last evaluated: 2019-02-22. Review status: criteria provided, single submitter. Criteria: ARUP Molecular Germline Variant Investigation Process. Collection method: clinical testing. Allele origin: germline.
Comment: The PRPF31 c.935C>T; p.Thr312Ile variant (rs144322132), to our knowledge, is not reported in the medical literature or gene-specific databases. The variant is found in the Latino population with an allele frequency 0.02% (7/35196 alleles) in the Genome Aggregation Database. The threonine at this position is moderately conserved and computational algorithms (PolyPhen-2, SIFT) predict this variant is tolerated. Due to limited information, the clinical significance of the variant is uncertain at this time.